The following is an entry in ClinVar:

ClinVar aggregate classification (germline): Likely pathogenic. Review status: criteria provided, multiple submitters, no conflicts (2 of 4 stars). 2 submissions from 2 submitters: Likely pathogenic (2). Last evaluated 2023-10-28.

Conditions:
Deficiency of steroid 17-alpha-monooxygenase. Also called: 17-alpha-hydroxylase/17,20-lyase deficiency; ADRENAL HYPERPLASIA V; 17-ALPHA-HYDROXYLASE DEFICIENCY; Congenital adrenal hyperplasia due to 17-alpha-hydroxylase deficiency; Congenital adrenal hyperplasia type 5. Identifiers: Orphanet 90793, MedGen C0268285, MONDO:0008730, OMIM 202110.

Allele frequency attached by ClinVar (database versions not stated): gnomAD exomes 0.00001; TOPMed 0.00001.
gnomAD v4.1: 4 of 1,613,922 alleles (0.00025%); highest among the groups gnomAD compares: Admixed American, 0.005%; no homozygotes.

Submissions (2):

Baylor Genetics
Classification: Likely pathogenic for Deficiency of steroid 17-alpha-monooxygenase. Last evaluated: 2023-10-28. Review status: criteria provided, single submitter. Criteria: ACMG Guidelines, 2015. Collection method: clinical testing. Allele origin: unknown.

Labcorp Genetics (formerly Invitae), Labcorp
Classification: Likely pathogenic. Last evaluated: 2023-09-08. Review status: criteria provided, single submitter. Criteria: Invitae Variant Classification Sherloc (09022015). Collection method: clinical testing. Allele origin: germline.
Comment: In summary, the currently available evidence indicates that the variant is pathogenic, but additional data are needed to prove that conclusively. Therefore, this variant has been classified as Likely Pathogenic. This variant disrupts the p.Ala398 amino acid residue in CYP17A1. Other variant(s) that disrupt this residue have been observed in individuals with CYP17A1-related conditions (PMID: 34524979), which suggests that this may be a clinically significant amino acid residue. An algorithm developed to predict the effect of missense changes on protein structure and function (PolyPhen-2) suggests that this variant is likely to be disruptive. This variant is also known as 7541C>T. This missense change has been observed in individual(s) with clinical features of CYP17A-related conditions (PMID: 17285537, 21846181, 22954317, 34724156). This variant is present in population databases (no rsID available, gnomAD 0.006%). This sequence change replaces alanine, which is neutral and non-polar, with valine, which is neutral and non-polar, at codon 398 of the CYP17A1 protein (p.Ala398Val).

Literature cited by the submitters: PubMed 34524979 (cited by Labcorp Genetics (formerly Invitae), Labcorp); PubMed 17285537 (cited by Labcorp Genetics (formerly Invitae), Labcorp); PubMed 21846181 (cited by Labcorp Genetics (formerly Invitae), Labcorp); PubMed 22954317 (cited by Labcorp Genetics (formerly Invitae), Labcorp); PubMed 34724156 (cited by Labcorp Genetics (formerly Invitae), Labcorp).

NM_000102.4(CYP17A1):c.1193C>T (p.Ala398Val)

Gene: CYP17A1 (cytochrome P450 family 17 subfamily A member 1; minus strand). Cytogenetic location: 10q24.32.
Variant type: single nucleotide variant.
Coding change: c.1193C>T on transcript NM_000102.4 (MANE Select); coding-DNA position 1193, C replaced by T.
Protein change: p.Ala398Val; replaces alanine 398 with valine.
Molecular consequence: missense variant.
Genome position (GRCh38, 1-based): chr10:102,831,558, G>A on the plus strand (C>T on the coding strand, the complement: CYP17A1 is on the minus strand). VCF-style: chr10-102831558-G-A. GRCh37 (hg19) VCF-style: chr10-104591315-G-A.
Other names: short protein forms A398V.
Identifiers: ClinVar variation 2681092 (VCV002681092.4), dbSNP rs1315561755, ClinGen allele CA377938517.
Genomic context (GRCh38, chr10:102,831,558, plus strand): 5'-ACAGACTCACCAGGCATGAACTGATCCGGCTGGTGCCACTCCTTCTCATTGTGATGCAGC[G>A]CCCACAGATTGATGATAACTTCTGTGCCCTTGTCCACAGCAAACTCACCGATGCTGCTCC-3'
Protein context (NP_000093.1, residues 388-408): KGTEVIINLW[Ala398Val]LHHNEKEWHQ